The following is an entry in ClinVar:

NM_001110556.2(FLNA):c.6944A>C (p.His2315Pro)

Gene: FLNA (filamin A; minus strand). Cytogenetic location: Xq28.
Variant type: single nucleotide variant.
Coding change: c.6944A>C on transcript NM_001110556.2 (MANE Select); coding-DNA position 6944, A replaced by C.
Protein change: p.His2315Pro; replaces histidine 2315 with proline.
Molecular consequence: missense variant.
Genome position (GRCh38, 1-based): chrX:154,351,660, T>G on the plus strand (A>C on the coding strand, the complement: FLNA is on the minus strand). VCF-style: chrX-154351660-T-G. GRCh37 (hg19) VCF-style: chrX-153580028-T-G.
Other names: c.6920A>C, p.His2307Pro (NM_001456.4); short protein forms H2307P, H2315P.
Identifiers: ClinVar variation 3753969 (VCV003753969.2).
Genomic context (GRCh38, chrX:154,351,660, plus strand): 5'-AGGCGGCGGGCGTCGCCAGACGGAGAAGCCACAGGCACCACGAAGGGGCTGTCGGGAATG[T>G]GTTCCTCGTTGAACTTGACTGAGACTTCGTAGTCACCTGGGCAGGGAAAGAGTGTAAGAC-3'
Protein context (NP_001104026.1, residues 2305-2325): YEVSVKFNEE[His2315Pro]IPDSPFVVPV

ClinVar aggregate classification (germline): Uncertain significance (1 of 4 stars; one submission).

Conditions:
Melnick-Needles syndrome (MNS). Also called: MELNICK-NEEDLES OSTEODYSPLASTY; OSTEODYSPLASTY OF MELNICK AND NEEDLES; Melnick-Needles Syndrome (FLNA-MNS). Identifiers: Orphanet 2484, MedGen C0025237, MONDO:0010650, OMIM 309350.
Frontometaphyseal dysplasia (FMD1). Identifiers: Orphanet 1826, MedGen C0265293, MONDO:0015942.
Heterotopia, periventricular, X-linked dominant (PVNH1). Also called: PERIVENTRICULAR NODULAR HETEROTOPIA 1; X-linked periventricular heterotopia; PERIVENTRICULAR NODULAR HETEROTOPIA 4; HETEROTOPIA, PERIVENTRICULAR, 1. Identifiers: Orphanet 2149, Orphanet 82004, MedGen C1848213, MONDO:0010233, OMIM 300049.
Oto-palato-digital syndrome, type II (OPD2). Also called: FACIOPALATOOSSEOUS SYNDROME; OPD II SYNDROME; Otopalatodigital Syndrome, Type II; Otopalatodigital Syndrome Type 2 (FLNA-OPD2). Identifiers: Orphanet 669, Orphanet 90652, MedGen C1844696, MONDO:0010571, OMIM 304120.

Submission:

Labcorp Genetics (formerly Invitae), Labcorp
Classification: Uncertain significance for Oto-palato-digital syndrome, type II; Heterotopia, periventricular, X-linked dominant; Frontometaphyseal dysplasia; Melnick-Needles syndrome. Last evaluated: 2024-03-07. Review status: criteria provided, single submitter. Criteria: Invitae Variant Classification Sherloc (09022015). Collection method: clinical testing. Allele origin: germline.
Comment: This sequence change replaces histidine, which is basic and polar, with proline, which is neutral and non-polar, at codon 2307 of the FLNA protein (p.His2307Pro). This variant is not present in population databases (gnomAD no frequency). This variant has not been reported in the literature in individuals affected with FLNA-related conditions. Advanced modeling of protein sequence and biophysical properties (such as structural, functional, and spatial information, amino acid conservation, physicochemical variation, residue mobility, and thermodynamic stability) performed at Invitae indicates that this missense variant is not expected to disrupt FLNA protein function with a negative predictive value of 95%. In summary, the available evidence is currently insufficient to determine the role of this variant in disease. Therefore, it has been classified as a Variant of Uncertain Significance.